The following is an entry in ClinVar:

NM_005068.3(SIM1):c.1454G>A (p.Gly485Glu)

Genes: SIM1 (SIM bHLH transcription factor 1; minus strand), SIM1-AS1 (SIM1 antisense RNA 1; plus strand). Cytogenetic location: 6q16.3.
Variant type: single nucleotide variant.
Coding change: c.1454G>A on transcript NM_005068.3 (MANE Select); coding-DNA position 1454, G replaced by A.
Protein change: p.Gly485Glu; replaces glycine 485 with glutamic acid.
Molecular consequence: missense variant. On other transcripts: non-coding transcript variant (1).
Genome position (GRCh38, 1-based): chr6:100,393,603, C>T on the plus strand (G>A on the coding strand, the complement: SIM1 is on the minus strand). VCF-style: chr6-100393603-C-T. GRCh37 (hg19) VCF-style: chr6-100841479-C-T.
Other names: c.1454G>A, p.Gly485Glu (NM_001374769.1); short protein forms G485E.
Identifiers: ClinVar variation 4993011 (VCV004993011.1).

ClinVar aggregate classification (germline): Uncertain significance (1 of 4 stars; one submission).

Conditions:
SIM1-related disorder. Also called: SIM1-related disorders; SIM1-related condition.

gnomAD v4.1: 1 of 1,614,096 alleles (0.000062%); highest among the groups gnomAD compares: Non-Finnish European, 0.000085%; no homozygotes.

Submission:

PreventionGenetics, part of Exact Sciences
Classification: Uncertain significance for SIM1-related condition. Last evaluated: 2026-03-03. Review status: criteria provided, single submitter. Criteria: ACMG Guidelines, 2015. Collection method: clinical testing. Allele origin: germline.
Comment: The SIM1 c.1454G>A variant is predicted to result in the amino acid substitution p.Gly485Glu. To our knowledge, this variant has not been reported in the literature or in a large population database (gnomAD), indicating this variant is rare. At this time, the clinical significance of this variant is uncertain due to the absence of conclusive functional and genetic evidence.